The following is an entry in ClinVar:

ClinVar aggregate classification (germline): Pathogenic (1 of 4 stars; one submission).

Submission:

GeneDx
Classification: Pathogenic. Last evaluated: 2014-02-16. Review status: criteria provided, single submitter. Criteria: GeneDx Variant Classification (06012015). Collection method: clinical testing. Allele origin: germline. Affected: yes.
Comment: Although the c.4429dupG variant in the FBN1 gene has not been reported to our knowledge, this variant causes a shift in reading frame starting at codon Glutamic acid 1477, changing it to a Glycine, and creating a premature stop codon at position 14 of the new reading frame, denoted p.Glu1477GlyfsX14. This variant is expected to result in either an abnormal, truncated protein product or loss of protein from this allele through nonsense-mediated mRNA decay. Other frameshift variants in the FBN1 gene have been reported in association with Marfan syndrome. In summary, c.4429dupG in the FBN1 gene is interpreted as a pathogenic variant.

NM_000138.5(FBN1):c.4429dup (p.Glu1477fs)

Gene: FBN1 (fibrillin 1; minus strand). Cytogenetic location: 15q21.1.
Variant type: Duplication.
Coding change: c.4429dup on transcript NM_000138.5 (MANE Select); coding-DNA position 4429, one base duplicated (G; older notation c.4429dupG).
Protein change: p.Glu1477fs; shifts the reading frame from glutamic acid 1477.
Molecular consequence: frameshift variant.
Genome position (GRCh38, 1-based): chr15:48,470,664, C duplicated on the plus strand (G on the coding strand, the reverse complement: FBN1 is on the minus strand). VCF-style (leftmost placement, unchanged base first): chr15-48470663-T-TC. GRCh37 (hg19) VCF-style: chr15-48762860-T-TC.
Other names: c.4429dupG (NM_000138.4); short protein forms E1477fs.
Identifiers: ClinVar variation 200162 (VCV000200162.2), dbSNP rs794728310, ClinGen allele CA304348.
Genomic context (GRCh38, chr15:48,470,663, plus strand): 5'-GAGCTGATTTTGATGCCAGTGGAGGTCTTACCTGTGCAGTTCCCGCCGCTTCTGTCCAGT[T>TC]CGTAGCCTATCTCACACTCACAGCGGAACAGGCCAGGGAGGTTGTGGCAAGTTCCAAAGA-3'